The following is an entry in ClinVar:

NM_020843.4(SCAPER):c.1070C>G (p.Ser357Cys)

Gene: SCAPER (S-phase cyclin A associated protein in the ER; minus strand). Cytogenetic location: 15q24.3.
Variant type: single nucleotide variant.
Coding change: c.1070C>G on transcript NM_020843.4 (MANE Select); coding-DNA position 1070, C replaced by G.
Protein change: p.Ser357Cys; replaces serine 357 with cysteine.
Molecular consequence: missense variant. On other transcripts: non-coding transcript variant (1).
Genome position (GRCh38, 1-based): chr15:76,771,920, G>C on the plus strand (C>G on the coding strand, the complement: SCAPER is on the minus strand). VCF-style: chr15-76771920-G-C. GRCh37 (hg19) VCF-style: chr15-77064261-G-C.
Other names: c.332C>G, p.Ser111Cys (NM_001145923.2); c.1070C>G, p.Ser357Cys (NM_001353009.2); c.668C>G, p.Ser223Cys (NM_001353010.2, NM_001353011.2, NM_001353012.2); short protein forms S111C, S357C, S223C.
Identifiers: ClinVar variation 5002601 (VCV005002601.1).

ClinVar aggregate classification (germline): Uncertain significance (1 of 4 stars; one submission).

Conditions:
SCAPER-related disorder. Also called: SCAPER-related condition.

gnomAD v4.1: 3 of 1,611,862 alleles (0.00019%); highest among the groups gnomAD compares: Non-Finnish European, 0.00025%; no homozygotes.

Submission:

PreventionGenetics, part of Exact Sciences
Classification: Uncertain significance for SCAPER-related condition. Last evaluated: 2024-12-18. Review status: criteria provided, single submitter. Criteria: ACMG Guidelines, 2015. Collection method: clinical testing. Allele origin: germline.
Comment: The SCAPER c.1070C>G variant is predicted to result in the amino acid substitution p.Ser357Cys. To our knowledge, this variant has not been reported in the literature. This variant is reported in 0.0018% of alleles in individuals of European (Non-Finnish) descent in gnomAD. At this time, the clinical significance of this variant is uncertain due to the absence of conclusive functional and genetic evidence.